The following is an entry in ClinVar:

ClinVar aggregate classification (germline): Conflicting classifications of pathogenicity. Review status: criteria provided, conflicting classifications (1 of 4 stars). 4 submissions from 4 submitters: Pathogenic (1); Likely pathogenic (1); Uncertain significance (2). Last evaluated 2026-07-01.

Conditions:
Glycogen storage disease, type II (IOPD). Also called: Pompe Disease; CARDIOMEGALIA GLYCOGENICA DIFFUSA; GLYCOGENOSIS, GENERALIZED, CARDIAC FORM; GSD II; POMPE DISEASE, INFANTILE-ONSET; GLYCOGEN STORAGE DISEASE II, INFANTILE-ONSET. Identifiers: Orphanet 365, MedGen C0017921, MONDO:0009290, OMIM 232300.

Allele frequency attached by ClinVar (database versions not stated): gnomAD exomes below 0.00001.
gnomAD v4.1: 1 of 1,613,984 alleles (0.000062%); highest among the groups gnomAD compares: Non-Finnish European, 0.000085%; no homozygotes.

Submissions (4):

Genomenon, Inc
Classification: Uncertain significance for Glycogen storage disease, type II. Last evaluated: 2026-07-01. Review status: criteria provided, single submitter. Criteria: Genomenon Sequence Variant Interpretation Standards - Updated. Collection method: curation. Allele origin: germline. Affected: yes.
Comment: GAA p.Asn524Lys (c.1572C>A) is a missense variant that changes the amino acid at codon 524 from Asparagine to Lysine. This variant has been observed in at least one proband with a GAA-related disorder in the compound heterozygous and/or homozygous state (PMID:38313679;34852371). It is absent or not present at a significant frequency in gnomAD. In conclusion, we classify GAA p.Asn524Lys (c.1572C>A) as a variant of uncertain significance.

Labcorp Genetics (formerly Invitae), Labcorp
Classification: Pathogenic for Glycogen storage disease, type II. Last evaluated: 2025-09-28. Review status: criteria provided, single submitter. Criteria: Invitae Variant Classification Sherloc (09022015). Collection method: clinical testing. Allele origin: germline.
Comment: This sequence change replaces asparagine, which is neutral and polar, with lysine, which is basic and polar, at codon 524 of the GAA protein (p.Asn524Lys). This variant is present in population databases (no rsID available, gnomAD 0.0009%). This missense change has been observed in individual(s) with clinical features of Pompe disease (PMID: 34852371, 40225932). In at least one individual the data is consistent with being in trans (on the opposite chromosome) from a pathogenic variant. ClinVar contains an entry for this variant (Variation ID: 597445). Invitae Evidence Modeling of protein sequence and biophysical properties (such as structural, functional, and spatial information, amino acid conservation, physicochemical variation, residue mobility, and thermodynamic stability) indicates that this missense variant is expected to disrupt GAA protein function with a positive predictive value of 95%. This variant disrupts the p.Asn524 amino acid residue in GAA. Other variant(s) that disrupt this residue have been determined to be pathogenic (internal data). This suggests that this residue is clinically significant, and that variants that disrupt this residue are likely to be disease-causing. For these reasons, this variant has been classified as Pathogenic.

GeneDx
Classification: Likely pathogenic. Last evaluated: 2025-05-05. Review status: criteria provided, single submitter. Criteria: GeneDx Variant Classification Process June 2021. Collection method: clinical testing. Allele origin: germline. Affected: yes.
Comment: Not observed at significant frequency in large population cohorts (gnomAD); In silico analysis supports that this missense variant has a deleterious effect on protein structure/function; This variant is associated with the following publications: (PMID: 19343043, 22253258, 34852371)

Eurofins Ntd Llc (ga)
Classification: Uncertain significance. Last evaluated: 2018-06-12. Review status: criteria provided, single submitter. Criteria: EGL ClinVar v180209 classification definitions. Collection method: clinical testing. Allele origin: germline. Observed: 1 variant allele, 1 heterozygote.

Literature cited by the submitters: PubMed 38313679 (cited by Genomenon, Inc); PubMed 34852371 (cited by Genomenon, Inc and Labcorp Genetics (formerly Invitae), Labcorp); PubMed 40225932 (cited by Labcorp Genetics (formerly Invitae), Labcorp).

NM_000152.5(GAA):c.1572C>A (p.Asn524Lys)

Gene: GAA (alpha glucosidase; plus strand). Cytogenetic location: 17q25.3.
Variant type: single nucleotide variant.
Coding change: c.1572C>A on transcript NM_000152.5 (MANE Select); coding-DNA position 1572, C replaced by A.
Protein change: p.Asn524Lys; replaces asparagine 524 with lysine.
Molecular consequence: missense variant.
Genome position (GRCh38, 1-based): chr17:80,110,961, C>A. VCF-style: chr17-80110961-C-A. GRCh37 (hg19) VCF-style: chr17-78084760-C-A.
Other names: c.1572C>A (NM_000152.3); c.1572C>A, p.Asn524Lys (NM_001079803.3, NM_001079804.3); short protein forms N524K.
Identifiers: ClinVar variation 597445 (VCV000597445.8), dbSNP rs1417304813, ClinGen allele CA401367224.